The following is an entry in ClinVar:

NM_173076.3(ABCA12):c.94T>C (p.Trp32Arg)

Gene: ABCA12 (ATP binding cassette subfamily A member 12; minus strand). Cytogenetic location: 2q35.
Variant type: single nucleotide variant.
Coding change: c.94T>C on transcript NM_173076.3 (MANE Select); coding-DNA position 94, T replaced by C.
Protein change: p.Trp32Arg; replaces tryptophan 32 with arginine.
Molecular consequence: missense variant. On other transcripts: non-coding transcript variant (1).
Genome position (GRCh38, 1-based): chr2:215,111,666, A>G on the plus strand (T>C on the coding strand, the complement: ABCA12 is on the minus strand). VCF-style: chr2-215111666-A-G. GRCh37 (hg19) VCF-style: chr2-215976389-A-G.
Other names: short protein forms W32R.
Identifiers: ClinVar variation 1705724 (VCV001705724.1), dbSNP rs2469553033, ClinGen allele CA350793255.

ClinVar aggregate classification (germline): Uncertain significance (1 of 4 stars; one submission).

Conditions:
Autosomal recessive congenital ichthyosis 4A (LI2). Also called: ICHTHYOSIS CONGENITA IIB. Identifiers: Orphanet 313, MedGen C1832550, MONDO:0011026, OMIM 601277.

Allele frequency attached by ClinVar (database versions not stated): gnomAD exomes below 0.00001.
gnomAD v4.1: 1 of 1,613,554 alleles (0.000062%); highest among the groups gnomAD compares: South Asian, 0.0011%; no homozygotes.

Submission:

3billion
Classification: Uncertain significance for Autosomal recessive congenital ichthyosis 4A. Last evaluated: 2022-09-01. Review status: criteria provided, single submitter. Criteria: ACMG Guidelines, 2015. Collection method: clinical testing. Allele origin: germline. Affected: yes. Observed: 1 homozygote.
Comment: The variant is not observed in the gnomAD v2.1.1 dataset. In silico tool predictions suggest damaging effect of the variant on gene or gene product. However, the evidence of pathogenicity is insufficient at this time. Therefore, this variant is classified as uncertain significance according to the recommendation of ACMG/AMP guideline.